The following is an entry in ClinVar:

ClinVar aggregate classification (germline): Uncertain significance. Review status: criteria provided, multiple submitters, no conflicts (2 of 4 stars). 2 submissions from 2 submitters: Uncertain significance (2). Last evaluated 2025-06-03.

Conditions:
Bardet-Biedl syndrome (BBS). Identifiers: Orphanet 110, MedGen C0752166, MONDO:0015229.
Inborn genetic diseases. Identifiers: MedGen C0950123, MeSH D030342.

Allele frequency attached by ClinVar (database versions not stated): TOPMed below 0.00001; gnomAD 0.00001.
gnomAD v4.1: 1 of 1,613,908 alleles (0.000062%); highest among the groups gnomAD compares: African/African-American, 0.0013%; no homozygotes.

Submissions (2):

Ambry Genetics
Classification: Uncertain significance for Inborn genetic diseases. Last evaluated: 2025-06-03. Review status: criteria provided, single submitter. Criteria: Ambry Variant Classification Scheme 2023. Collection method: clinical testing. Allele origin: germline.

Labcorp Genetics (formerly Invitae), Labcorp
Classification: Uncertain significance for Bardet-Biedl syndrome. Last evaluated: 2025-03-31. Review status: criteria provided, single submitter. Criteria: Invitae Variant Classification Sherloc (09022015). Collection method: clinical testing. Allele origin: germline.
Comment: This sequence change replaces glycine, which is neutral and non-polar, with valine, which is neutral and non-polar, at codon 292 of the WDPCP protein (p.Gly292Val). This variant is not present in population databases (gnomAD no frequency). This variant has not been reported in the literature in individuals affected with WDPCP-related conditions. ClinVar contains an entry for this variant (Variation ID: 2156682). Invitae Evidence Modeling of protein sequence and biophysical properties (such as structural, functional, and spatial information, amino acid conservation, physicochemical variation, residue mobility, and thermodynamic stability) indicates that this missense variant is not expected to disrupt WDPCP protein function with a negative predictive value of 80%. In summary, the available evidence is currently insufficient to determine the role of this variant in disease. Therefore, it has been classified as a Variant of Uncertain Significance.

NM_015910.7(WDPCP):c.875G>T (p.Gly292Val)

Gene: WDPCP (WD repeat containing planar cell polarity effector; minus strand). Cytogenetic location: 2p15.
Variant type: single nucleotide variant.
Coding change: c.875G>T on transcript NM_015910.7 (MANE Select); coding-DNA position 875, G replaced by T.
Protein change: p.Gly292Val; replaces glycine 292 with valine.
Molecular consequence: missense variant. On other transcripts: non-coding transcript variant (3).
Genome position (GRCh38, 1-based): chr2:63,404,608, C>A on the plus strand (G>T on the coding strand, the complement: WDPCP is on the minus strand). VCF-style: chr2-63404608-C-A. GRCh37 (hg19) VCF-style: chr2-63631743-C-A.
Other names: c.398G>T, p.Gly133Val (NM_001042692.3); c.803G>T, p.Gly268Val (NM_001354044.2); c.875G>T, p.Gly292Val (NM_001354045.2); c.875G>T (NM_015910.5); short protein forms G133V, G268V, G292V.
Identifiers: ClinVar variation 2156682 (VCV002156682.5), dbSNP rs1052730770, ClinGen allele CA49233690.